The following is an entry in ClinVar:

NM_003466.4(PAX8):c.136G>A (p.Asp46Asn)

Genes: PAX8 (paired box 8; minus strand), PAX8-AS1 (PAX8 antisense RNA 1; plus strand). Cytogenetic location: 2q14.1.
Variant type: single nucleotide variant.
Coding change: c.136G>A on transcript NM_003466.4 (MANE Select); coding-DNA position 136, G replaced by A.
Protein change: p.Asp46Asn; replaces aspartic acid 46 with asparagine.
Molecular consequence: missense variant.
Genome position (GRCh38, 1-based): chr2:113,246,809, C>T on the plus strand (G>A on the coding strand, the complement: PAX8 is on the minus strand). VCF-style: chr2-113246809-C-T. GRCh37 (hg19) VCF-style: chr2-114004386-C-T.
Other names: c.136G>A, p.Asp46Asn (NM_013952.4, NM_013953.4, NM_013992.4); short protein forms D46N.
Identifiers: ClinVar variation 1711505 (VCV001711505.30), dbSNP rs781575903, ClinGen allele CA1840338.

ClinVar aggregate classification (germline): Likely pathogenic (1 of 4 stars; one submission).

Allele frequency attached by ClinVar (database versions not stated): gnomAD 0.00001; gnomAD exomes 0.00001; TOPMed 0.00001; ExAC 0.00002.
gnomAD v4.1: 10 of 1,614,076 alleles (0.00062%); highest among the groups gnomAD compares: Admixed American, 0.0033%; no homozygotes.

Submission:

CeGaT Center for Human Genetics Tuebingen
Classification: Likely pathogenic. Last evaluated: 2022-09-01. Review status: criteria provided, single submitter. Criteria: CeGaT Center For Human Genetics Tuebingen Variant Classification Criteria Version 2. Collection method: clinical testing. Allele origin: germline. Affected: yes. Observed: 1 variant allele.
Comment: PAX8: PM1, PM2, PP3, PS3:Supporting